The following is an entry in ClinVar:

ClinVar aggregate classification (germline): Uncertain significance (1 of 4 stars; one submission).

Conditions:
Acromesomelic dysplasia 1, Maroteaux type (AMD1). Also called: ST. HELENA DYSPLASIA; ACROMESOMELIC DYSPLASIA 1. Identifiers: Orphanet 40, MedGen C1864356, MONDO:0011275, OMIM 602875.

Submission:

3billion
Classification: Uncertain significance for Acromesomelic dysplasia 1, Maroteaux type. Last evaluated: 2025-07-25. Review status: criteria provided, single submitter. Criteria: ACMG Guidelines, 2015. Collection method: clinical testing. Allele origin: germline. Affected: yes.
Comment: The variant is not observed in the gnomAD v4.1.0 dataset. Predicted Consequence/Location: Missense variant Therefore, this variant is classified as VUS according to the recommendation of ACMG/AMP guideline.

NM_003995.4(NPR2):c.937_938delinsGG (p.Leu313Gly)

Gene: NPR2 (natriuretic peptide receptor 2; plus strand). Cytogenetic location: 9p13.3.
Variant type: Indel.
Coding change: c.937_938delinsGG on transcript NM_003995.4 (MANE Select); coding-DNA positions 937 to 938, CT replaced by GG.
Protein change: p.Leu313Gly; replaces leucine 313 with glycine.
Molecular consequence: missense variant.
Genome position (GRCh38, 1-based): chr9:35,799,681-35,799,682, CT replaced by GG. VCF-style: chr9-35799681-CT-GG. GRCh37 (hg19) VCF-style: chr9-35799678-CT-GG.
Other names: c.937_938delinsGG, p.Leu313Gly (NM_001378923.1); short protein forms L313G.
Identifiers: ClinVar variation 4854656 (VCV004854656.1).